The following is an entry in ClinVar:

NM_001135649.3(FOXI3):c.974G>A (p.Ser325Asn)

Gene: FOXI3 (forkhead box I3; minus strand). Cytogenetic location: 2p11.2.
Variant type: single nucleotide variant.
Coding change: c.974G>A on transcript NM_001135649.3 (MANE Select); coding-DNA position 974, G replaced by A.
Protein change: p.Ser325Asn; replaces serine 325 with asparagine.
Molecular consequence: missense variant.
Genome position (GRCh38, 1-based): chr2:88,448,496, C>T on the plus strand (G>A on the coding strand, the complement: FOXI3 is on the minus strand). VCF-style: chr2-88448496-C-T. GRCh37 (hg19) VCF-style: chr2-88748015-C-T.
Other names: short protein forms S325N.
Identifiers: ClinVar variation 1469839 (VCV001469839.6), dbSNP rs752765058, ClinGen allele CA1753978.
Genomic context (GRCh38, chr2:88,448,496, plus strand): 5'-GCCCCCTGGATCCCTAGGTGGCGGCTGCCAGGGAGAGCCCGCTGGGTACTCACACTGCTG[C>T]TGACACTCAAGGAGCTGAGGCTGCTGAAGAAAGTGTTGAGACAAGGGGTGGAGGTGAGCA-3'
Protein context (NP_001129121.1, residues 315-335): FFSSLSSLSV[Ser325Asn]SSVSTQRALP

ClinVar aggregate classification (germline): Uncertain significance (1 of 4 stars; one submission).

Allele frequency attached by ClinVar (database versions not stated): gnomAD 0.00001; gnomAD exomes 0.00001 and 0.00007; ExAC 0.00005.
gnomAD v4.1: 94 of 1,551,610 alleles (0.0061%); highest among the groups gnomAD compares: Non-Finnish European, 0.008%; no homozygotes.

Submission:

Labcorp Genetics (formerly Invitae), Labcorp
Classification: Uncertain significance. Last evaluated: 2025-09-19. Review status: criteria provided, single submitter. Criteria: Invitae Variant Classification Sherloc (09022015). Collection method: clinical testing. Allele origin: germline.
Comment: This sequence change replaces serine, which is neutral and polar, with asparagine, which is neutral and polar, at codon 325 of the FOXI3 protein (p.Ser325Asn). This variant is present in population databases (rs752765058, gnomAD 0.003%). This variant has not been reported in the literature in individuals affected with FOXI3-related conditions. ClinVar contains an entry for this variant (Variation ID: 1469839). Experimental studies and prediction algorithms are not available or were not evaluated, and the functional significance of this variant is currently unknown. In summary, the available evidence is currently insufficient to determine the role of this variant in disease. Therefore, it has been classified as a Variant of Uncertain Significance.